The following is an entry in ClinVar:

ClinVar aggregate classification (germline): Uncertain significance (1 of 4 stars; one submission).

Conditions:
Nephronophthisis. Also called: Juvenile Nephronophthisis. Identifiers: Orphanet 655, MedGen C0687120, MONDO:0019005, HP:0000090.

Allele frequency attached by ClinVar (database versions not stated): gnomAD exomes below 0.00001.
gnomAD v4.1: 2 of 1,613,764 alleles (0.00012%); highest among the groups gnomAD compares: Non-Finnish European, 0.00017%; no homozygotes.

Submission:

Labcorp Genetics (formerly Invitae), Labcorp
Classification: Uncertain significance for Nephronophthisis. Last evaluated: 2023-12-18. Review status: criteria provided, single submitter. Criteria: Invitae Variant Classification Sherloc (09022015). Collection method: clinical testing. Allele origin: germline.
Comment: This sequence change replaces glycine, which is neutral and non-polar, with aspartic acid, which is acidic and polar, at codon 729 of the NPHP3 protein (p.Gly729Asp). This variant is present in population databases (no rsID available, gnomAD 0.0009%). This variant has not been reported in the literature in individuals affected with NPHP3-related conditions. ClinVar contains an entry for this variant (Variation ID: 2103551). Algorithms developed to predict the effect of missense changes on protein structure and function output the following: SIFT: "Not Available"; PolyPhen-2: "Benign"; Align-GVGD: "Not Available". The aspartic acid amino acid residue is found in multiple mammalian species, which suggests that this missense change does not adversely affect protein function. In summary, the available evidence is currently insufficient to determine the role of this variant in disease. Therefore, it has been classified as a Variant of Uncertain Significance.

NM_153240.5(NPHP3):c.2186G>A (p.Gly729Asp)

Genes: NPHP3 (nephrocystin 3; minus strand), NPHP3-ACAD11 (NPHP3-ACAD11 readthrough (NMD candidate); minus strand). Cytogenetic location: 3q22.1.
Variant type: single nucleotide variant.
Coding change: c.2186G>A on transcript NM_153240.5 (MANE Select); coding-DNA position 2186, G replaced by A.
Protein change: p.Gly729Asp; replaces glycine 729 with aspartic acid.
Molecular consequence: missense variant. On other transcripts: non-coding transcript variant (1).
Genome position (GRCh38, 1-based): chr3:132,694,951, C>T on the plus strand (G>A on the coding strand, the complement: NPHP3 is on the minus strand). VCF-style: chr3-132694951-C-T. GRCh37 (hg19) VCF-style: chr3-132413795-C-T.
Other names: short protein forms G729D.
Identifiers: ClinVar variation 2103551 (VCV002103551.3), dbSNP rs1212169120, ClinGen allele CA354581887.
Genomic context (GRCh38, chr3:132,694,951, plus strand): 5'-CTATATAATGAAAGAGTATCTTGACACTGGAAACACTGATGAAGGATTTTATCTAAATTG[C>T]CTGCTCTCCCAGCACTGTTGGAATCGAGAAGAGATTTAATTTCTTACAGATTGCCAACAT-3'
Protein context (NP_694972.3, residues 719-739): GKMIARAGRA[Gly729Asp]NLDKILHQCF